The following is an entry in ClinVar:

NM_173648.4(CCDC141):c.1005_1008del (p.Gln336fs)

Gene: CCDC141 (coiled-coil domain containing 141; minus strand). Cytogenetic location: 2q31.2.
Variant type: Microsatellite.
Coding change: c.1005_1008del on transcript NM_173648.4 (MANE Select); coding-DNA positions 1005 to 1008, 4 bases deleted (TCAG; older notation c.1005_1008delTCAG).
Protein change: p.Gln336fs; shifts the reading frame from glutamine 336.
Molecular consequence: frameshift variant.
Genome position (GRCh38, 1-based): chr2:178,918,797-178,918,800, CTGA deleted on the plus strand (TCAG on the coding strand, the reverse complement: CCDC141 is on the minus strand); deleting any 4 consecutive bases within chr2:178,918,797-178,918,804 gives the same sequence; the c. name uses the placement nearest the transcript's 3' end. VCF-style (leftmost placement, unchanged base first): chr2-178918796-GCTGA-G. GRCh37 (hg19) VCF-style: chr2-179783523-GCTGA-G.
Other names: c.1005_1008del, p.Gln336fs (NM_001316745.2); c.1005_1008delTCAG (NM_173648.4); short protein forms Q336fs.
Identifiers: ClinVar variation 4847699 (VCV004847699.1).
Genomic context (GRCh38, chr2:178,918,796, plus strand): 5'-CATTCGCCTTCTTTAACCAGGTATTCCTTTCCACCATGAGTTGACCAAATTCTTCTTGAA[GCTGA>G]CTGAGTTTCTGGTGAGAGAGCTGGAGGTGTTCTTTCTCCACGTAGTCCTTTGACAGCAGA-3'

ClinVar aggregate classification (germline): Uncertain significance (1 of 4 stars; one submission).

Submission:

Women's Health and Genetics/Laboratory Corporation of America, LabCorp
Classification: Uncertain significance. Last evaluated: 2026-03-24. Review status: criteria provided, single submitter. Criteria: LabCorp Variant Classification Summary - May 2015. Collection method: clinical testing. Allele origin: germline.
Comment: Variant summary: CCDC141 c.1005_1008delTCAG (p.Gln336PhefsX16) results in a premature termination codon, predicted to cause a truncation of the encoded protein or absence of the protein due to nonsense mediated decay, however current evidence is not sufficient to establish loss of function as a mechanism for disease. The variant allele was found at a frequency of 6.7e-06 in 149474 control chromosomes. The available data on variant occurrences in the general population are insufficient to allow any conclusion about variant significance. To our knowledge, no occurrence of c.1005_1008delTCAG in individuals affected with CCDC141-related conditions and no experimental evidence demonstrating its impact on protein function have been reported. No submitters have cited clinical-significance assessments for this variant to ClinVar. Based on the evidence outlined above, the variant was classified as uncertain significance.